The following is an entry in ClinVar:

ClinVar aggregate classification (germline): Uncertain significance. Review status: criteria provided, multiple submitters, no conflicts (2 of 4 stars). 4 submissions from 4 submitters: Uncertain significance (4). Last evaluated 2023-04-27.

Conditions:
Developmental and epileptic encephalopathy, 18 (DEE18). Also called: Early infantile epileptic encephalopathy 18. Identifiers: Orphanet 369894, MedGen C3809624, MONDO:0014201, OMIM 615476.

Allele frequency attached by ClinVar (database versions not stated): TOPMed below 0.00001; gnomAD 0.00001; gnomAD exomes 0.00001.
gnomAD v4.1: 14 of 1,613,258 alleles (0.00087%); highest among the groups gnomAD compares: East Asian, 0.0022%; no homozygotes.

Submissions (4):

Blueprint Genetics
Classification: Uncertain significance. Last evaluated: 2023-04-27. Review status: criteria provided, single submitter. Criteria: ACMG Guidelines, 2015. Collection method: clinical testing. Allele origin: germline.

Genome-Nilou Lab
Classification: Uncertain significance for Developmental and epileptic encephalopathy, 18. Last evaluated: 2023-04-11. Review status: criteria provided, single submitter. Criteria: ACMG Guidelines, 2015. Collection method: clinical testing. Allele origin: germline. Affected: no.

GeneDx
Classification: Uncertain significance. Last evaluated: 2022-01-05. Review status: criteria provided, single submitter. Criteria: GeneDx Variant Classification Process June 2021. Collection method: clinical testing. Allele origin: germline. Affected: yes.
Comment: Not observed at significant frequency in large population cohorts (gnomAD); In silico analysis supports that this missense variant does not alter protein structure/function; Has not been previously published as pathogenic or benign to our knowledge

Labcorp Genetics (formerly Invitae), Labcorp
Classification: Uncertain significance. Last evaluated: 2021-08-31. Review status: criteria provided, single submitter. Criteria: Invitae Variant Classification Sherloc (09022015). Collection method: clinical testing. Allele origin: germline.
Comment: This sequence change replaces glycine with arginine at codon 3028 of the SZT2 protein (p.Gly3028Arg). The glycine residue is highly conserved and there is a moderate physicochemical difference between glycine and arginine. This variant is present in population databases (rs764648221, ExAC 0.006%). This variant has not been reported in the literature in individuals affected with SZT2-related conditions. Algorithms developed to predict the effect of missense changes on protein structure and function are either unavailable or do not agree on the potential impact of this missense change (SIFT: "Deleterious"; PolyPhen-2: "Probably Damaging"; Align-GVGD: "Class C15"). Algorithms developed to predict the effect of sequence changes on RNA splicing suggest that this variant may create or strengthen a splice site. In summary, the available evidence is currently insufficient to determine the role of this variant in disease. Therefore, it has been classified as a Variant of Uncertain Significance.

NM_001365999.1(SZT2):c.9253G>A (p.Gly3085Arg)

Gene: SZT2 (SZT2 subunit of KICSTOR complex; plus strand). Cytogenetic location: 1p34.2.
Variant type: single nucleotide variant.
Coding change: c.9253G>A on transcript NM_001365999.1 (MANE Select); coding-DNA position 9253, G replaced by A.
Protein change: p.Gly3085Arg; replaces glycine 3085 with arginine.
Molecular consequence: missense variant.
Genome position (GRCh38, 1-based): chr1:43,447,135, G>A. VCF-style: chr1-43447135-G-A. GRCh37 (hg19) VCF-style: chr1-43912806-G-A.
Other names: c.9082G>A, p.Gly3028Arg (NM_015284.4); short protein forms G3028R, G3085R.
Identifiers: ClinVar variation 940406 (VCV000940406.10), dbSNP rs764648221, ClinGen allele CA810854.